The following is an entry in ClinVar:

ClinVar aggregate classification (germline): Uncertain significance. Review status: criteria provided, multiple submitters, no conflicts (2 of 4 stars). 2 submissions from 2 submitters: Uncertain significance (2). Last evaluated 2025-05-26.

Allele frequency attached by ClinVar (database versions not stated): gnomAD exomes 0.00001 and 0.00003; ExAC 0.00002; gnomAD 0.00003 and 0.00006; TOPMed 0.00003.
gnomAD v4.1: 26 of 1,612,566 alleles (0.0016%); highest among the groups gnomAD compares: Admixed American, 0.0067%; no homozygotes.

Submissions (2):

Ambry Genetics
Classification: Uncertain significance. Last evaluated: 2025-05-26. Review status: criteria provided, single submitter. Criteria: Ambry Variant Classification Scheme 2023. Collection method: clinical testing. Allele origin: germline.

Labcorp Genetics (formerly Invitae), Labcorp
Classification: Uncertain significance. Last evaluated: 2022-07-12. Review status: criteria provided, single submitter. Criteria: Invitae Variant Classification Sherloc (09022015). Collection method: clinical testing. Allele origin: germline.
Comment: In summary, the available evidence is currently insufficient to determine the role of this variant in disease. Therefore, it has been classified as a Variant of Uncertain Significance. This sequence change replaces valine, which is neutral and non-polar, with methionine, which is neutral and non-polar, at codon 398 of the MYH7B protein (p.Val398Met). This variant is present in population databases (rs770589588, gnomAD 0.01%). This variant has not been reported in the literature in individuals affected with MYH7B-related conditions. ClinVar contains an entry for this variant (Variation ID: 1378089). Algorithms developed to predict the effect of missense changes on protein structure and function are either unavailable or do not agree on the potential impact of this missense change (SIFT: "Deleterious"; PolyPhen-2: "Probably Damaging"; Align-GVGD: "Class C15").

NM_020884.7(MYH7B):c.1066G>A (p.Val356Met)

Gene: MYH7B (myosin heavy chain 7B; plus strand). Cytogenetic location: 20q11.22.
Variant type: single nucleotide variant.
Coding change: c.1066G>A on transcript NM_020884.7 (MANE Select); coding-DNA position 1066, G replaced by A.
Protein change: p.Val356Met; replaces valine 356 with methionine.
Molecular consequence: missense variant.
Genome position (GRCh38, 1-based): chr20:34,987,206, G>A. VCF-style: chr20-34987206-G-A. GRCh37 (hg19) VCF-style: chr20-33575009-G-A.
Other names: c.1192G>A (NM_020884.3); short protein forms V356M.
Identifiers: ClinVar variation 1378089 (VCV001378089.7), dbSNP rs770589588, ClinGen allele CA9826787.
Genomic context (GRCh38, chr20:34,987,206, plus strand): 5'-CAGCATGCCATGGACATCCTAGGCTTCAGCGTGGATGAGAAATGTGCCTGCTATAAGATC[G>A]TGGGCGCCCTCCTGCACTTTGGCAACATGAAGTTCAAGCAGAAGCAGCGGGAGGAGCAGG-3'
Protein context (NP_065935.4, residues 346-366): VDEKCACYKI[Val356Met]GALLHFGNMK